The following is an entry in ClinVar:

NM_001009944.3(PKD1):c.2097G>C (p.Ser699=)

Gene: PKD1 (polycystin 1, transient receptor potential channel interacting; minus strand). Cytogenetic location: 16p13.3.
Variant type: single nucleotide variant.
Coding change: c.2097G>C on transcript NM_001009944.3 (MANE Select); coding-DNA position 2097, G replaced by C.
Protein change: p.Ser699=; no amino-acid change (serine 699 retained).
Molecular consequence: synonymous variant.
Genome position (GRCh38, 1-based): chr16:2,115,378, C>G on the plus strand (G>C on the coding strand, the complement: PKD1 is on the minus strand). VCF-style: chr16-2115378-C-G. GRCh37 (hg19) VCF-style: chr16-2165379-C-G.
Other names: c.2097G>C, p.Ser699= (NM_000296.4).
Identifiers: ClinVar variation 3234104 (VCV003234104.4), dbSNP rs2544860109, ClinGen allele CA493049441.

ClinVar aggregate classification (germline): Uncertain significance. Review status: criteria provided, multiple submitters, no conflicts (2 of 4 stars). 3 submissions from 3 submitters: Uncertain significance (3). Last evaluated 2026-04-17.

Conditions:
Polycystic kidney disease, adult type (PKD1). Also called: Polycystic Kidney Disease 1, Autosomal Dominant; Polycystic kidney disease 1; Polycystic kidney disease 1, severe; Polycystic Kidney, Autosomal Dominant; POLYCYSTIC KIDNEY DISEASE, ADULT, TYPE I; POLYCYSTIC KIDNEY DISEASE 1 WITH OR WITHOUT POLYCYSTIC LIVER DISEASE. Identifiers: MedGen C3149841, MONDO:0008263, OMIM 173900.

Submissions (3):

Women's Health and Genetics/Laboratory Corporation of America, LabCorp
Classification: Uncertain significance. Last evaluated: 2026-04-17. Review status: criteria provided, single submitter. Criteria: LabCorp Variant Classification Summary - May 2015. Collection method: clinical testing. Allele origin: germline.
Comment: Variant summary: PKD1 c.2097G>C (p.Ser699Ser) alters a nucleotide located close to a canonical splice site and therefore could affect mRNA splicing, leading to a significantly altered protein sequence. Several computational tools predict a significant impact on normal splicing: Three predict the variant abolishes a 5' splicing donor site. One predict the variant weakens a 5' donor site. However, these predictions have yet to be confirmed by functional studies. The variant was absent in 116750 control chromosomes (gnomAD). The available data on variant occurrences in the general population are insufficient to allow any conclusion about variant significance. c.2097G>C has been observed in an individual diagnosed with Autosomal Dominant Polycystic Kidney Disease (Kimura_2023). The report does not provide unequivocal conclusions about association of the variant with PKD1-related conditions. To our knowledge, no experimental evidence demonstrating an impact on protein function has been reported. The following publication have been ascertained in the context of this evaluation (PMID: 37509056). ClinVar contains an entry for this variant (Variation ID: 3234104). Based on the evidence outlined above, the variant was classified as uncertain significance.

MVZ Martinsried, Medicover Genetics
Classification: Uncertain significance for Polycystic kidney disease, adult type. Last evaluated: 2024-04-25. Review status: criteria provided, single submitter. Criteria: ACGS Guidelines, 2020. Collection method: clinical testing. Allele origin: unknown. Affected: yes.

MVZ Medizinische Genetik Mainz
Classification: Uncertain significance for Polycystic kidney disease, adult type. Last evaluated: 2022-06-08. Review status: criteria provided, single submitter. Criteria: UK Practice Guidelines For Variant Classification V4 01 2020. Collection method: clinical testing. Allele origin: germline. Inheritance: Autosomal dominant inheritance. Observed: 1 variant allele.
Comment: ACMG Criteria: PS1_SUP, PM2_SUP, PP3, PP4 (ACMG Version 3)

Literature cited by the submitters: PubMed 37509056 (cited by Women's Health and Genetics/Laboratory Corporation of America, LabCorp).